The following is an entry in ClinVar:

NM_003742.4(ABCB11):c.988T>C (p.Trp330Arg)

Gene: ABCB11 (ATP binding cassette subfamily B member 11; minus strand). Cytogenetic location: 2q31.1.
Variant type: single nucleotide variant.
Coding change: c.988T>C on transcript NM_003742.4 (MANE Select); coding-DNA position 988, T replaced by C.
Protein change: p.Trp330Arg; replaces tryptophan 330 with arginine.
Molecular consequence: missense variant.
Genome position (GRCh38, 1-based): chr2:168,986,205, A>G on the plus strand (T>C on the coding strand, the complement: ABCB11 is on the minus strand). VCF-style: chr2-168986205-A-G. GRCh37 (hg19) VCF-style: chr2-169842715-A-G.
Other names: short protein forms W330R.
Identifiers: ClinVar variation 3339880 (VCV003339880.2).

ClinVar aggregate classification (germline): Uncertain significance. Review status: criteria provided, multiple submitters, no conflicts (2 of 4 stars). 2 submissions from 2 submitters: Uncertain significance (2). Last evaluated 2026-04-14.

Conditions:
Familial intrahepatic cholestasis. Identifiers: Orphanet 284385, MedGen CN296401, MONDO:0017290.

Submissions (2):

Genomenon, Inc
Classification: Uncertain significance for Familial intrahepatic cholestasis. Last evaluated: 2026-04-14. Review status: criteria provided, single submitter. Criteria: Genomenon Sequence Variant Interpretation Standards - Updated. Collection method: curation. Allele origin: germline. Affected: yes.
Comment: ABCB11 p.Trp330Arg (c.988T>C) is a missense variant that changes the amino acid at residue 330 from Tryptophan to Arginine. This variant has been observed in at least one proband with an ABCB11-related disorder (PMID:28733223). It is absent or not present at a significant frequency in gnomAD. In silico models predict that this variant is possibly or probably damaging. In conclusion, we classify ABCB11 p.Trp330Arg (c.988T>C) as a variant of uncertain significance.

Women's Health and Genetics/Laboratory Corporation of America, LabCorp
Classification: Uncertain significance. Last evaluated: 2024-06-21. Review status: criteria provided, single submitter. Criteria: LabCorp Variant Classification Summary - May 2015. Collection method: clinical testing. Allele origin: germline.
Comment: Variant summary: ABCB11 c.988T>C (p.Trp330Arg) results in a non-conservative amino acid change located in the ABC transporter type 1, transmembrane domain (IPR011527) of the encoded protein sequence. Five of five in-silico tools predict a damaging effect of the variant on protein function. The variant was absent in 248812 control chromosomes. c.988T>C has been reported in the literature in the homozygous state in at least 1 individual affected with Familial Intrahepatic Cholestasis (example, Droge_2017). These data indicate that the variant may be associated with disease. To our knowledge, no experimental evidence demonstrating an impact on protein function has been reported. The following publication has been ascertained in the context of this evaluation (PMID: 28733223). No submitters have cited clinical-significance assessments for this variant to ClinVar. Based on the evidence outlined above, the variant was classified as VUS-possibly pathogenic.

Literature cited by the submitters: PubMed 28733223 (cited by Genomenon, Inc and Women's Health and Genetics/Laboratory Corporation of America, LabCorp).